The following is an entry in ClinVar:

NM_001365951.3(KIF1B):c.2149C>G (p.Gln717Glu)

Gene: KIF1B (kinesin family member 1B; plus strand). Cytogenetic location: 1p36.22.
Variant type: single nucleotide variant.
Coding change: c.2149C>G on transcript NM_001365951.3 (MANE Select); coding-DNA position 2149, C replaced by G.
Protein change: p.Gln717Glu; replaces glutamine 717 with glutamic acid.
Molecular consequence: missense variant.
Genome position (GRCh38, 1-based): chr1:10,320,076, C>G. VCF-style: chr1-10320076-C-G. GRCh37 (hg19) VCF-style: chr1-10380134-C-G.
Other names: c.2149C>G, p.Gln717Glu (NM_001365952.1); c.2011C>G, p.Gln671Glu (NM_015074.3); short protein forms Q671E, Q717E.
Identifiers: ClinVar variation 4543660 (VCV004543660.1).

ClinVar aggregate classification (germline): Uncertain significance (1 of 4 stars; one submission).

Submission:

Ambry Genetics
Classification: Uncertain significance. Last evaluated: 2025-10-31. Review status: criteria provided, single submitter. Criteria: Ambry Variant Classification Scheme 2023. Collection method: clinical testing. Allele origin: germline.
Comment: The p.Q671E variant (also known as c.2011C>G), located in coding exon 20 of the KIF1B gene, results from a C to G substitution at nucleotide position 2011. The glutamine at codon 671 is replaced by glutamic acid, an amino acid with highly similar properties. This amino acid position is conserved. In addition, the in silico prediction for this alteration is inconclusive. Based on the available evidence, the clinical significance of this variant remains unclear.